The following is an entry in ClinVar:

NC_000010.11:g.71777680del

Gene: CDH23 (cadherin related 23; plus strand). Cytogenetic location: 10q22.1.
Variant type: Deletion.
Genome position: GRCh38 VCF-style: chr10-71777678-AG-A. GRCh37 (hg19) VCF-style: chr10-73537435-AG-A.
Identifiers: ClinVar variation 2733365 (VCV002733365.3), dbSNP rs2494337734, ClinGen allele CA2697558445.

ClinVar aggregate classification (germline): Pathogenic (1 of 4 stars; one submission).

Submission:

Labcorp Genetics (formerly Invitae), Labcorp
Classification: Pathogenic. Last evaluated: 2023-06-29. Review status: criteria provided, single submitter. Criteria: Invitae Variant Classification Sherloc (09022015). Collection method: clinical testing. Allele origin: germline.
Comment: For these reasons, this variant has been classified as Pathogenic. Algorithms developed to predict the effect of sequence changes on RNA splicing suggest that this variant may disrupt the consensus splice site. This variant has not been reported in the literature in individuals affected with CDH23-related conditions. This variant is not present in population databases (gnomAD no frequency). This sequence change creates a premature translational stop signal (p.Ala1616Profs*7) in the CDH23 gene. It is expected to result in an absent or disrupted protein product. Loss-of-function variants in CDH23 are known to be pathogenic (PMID: 11138009, 21940737).

Literature cited by the submitters: PubMed 11138009; PubMed 21940737.